The following is an entry in ClinVar:

NM_015335.5(MED13L):c.747G>T (p.Lys249Asn)

Gene: MED13L (mediator complex subunit 13L; minus strand). Cytogenetic location: 12q24.21.
Variant type: single nucleotide variant.
Coding change: c.747G>T on transcript NM_015335.5 (MANE Select); coding-DNA position 747, G replaced by T.
Protein change: p.Lys249Asn; replaces lysine 249 with asparagine.
Molecular consequence: missense variant.
Genome position (GRCh38, 1-based): chr12:116,019,851, C>A on the plus strand (G>T on the coding strand, the complement: MED13L is on the minus strand). VCF-style: chr12-116019851-C-A. GRCh37 (hg19) VCF-style: chr12-116457656-C-A.
Other names: short protein forms K249N.
Identifiers: ClinVar variation 1676514 (VCV001676514.3), dbSNP rs921393421, ClinGen allele CA386870976.

ClinVar aggregate classification (germline): Uncertain significance (1 of 4 stars; one submission).

Submission:

Greenwood Genetic Center Diagnostic Laboratories, Greenwood Genetic Center
Classification: Uncertain significance. Last evaluated: 2022-03-31. Review status: criteria provided, single submitter. Criteria: ACMG Guidelines, 2015. Collection method: clinical testing. Allele origin: germline. Affected: yes.
Comment: PM2, PP2